The following is an entry in ClinVar:

ClinVar aggregate classification (germline): Uncertain significance (1 of 4 stars; one submission).

Submissions (2):

GeneDx
Classification: Uncertain significance. Last evaluated: 2019-05-22. Review status: criteria provided, single submitter. Criteria: GeneDx Variant Classification Process June 2021. Collection method: clinical testing. Allele origin: germline. Affected: yes.
Comment: Has not been previously published as pathogenic or benign to our knowledge; Not observed in large population cohorts (Lek et al., 2016); Canonical splice site variant predicted to result aberrant splicing. However, in the absence of functional mRNA studies, the physiological consequence of this variant cannot be precisely determined.

Dr. Peter K. Rogan Lab, Western University
No classification provided (evidence only). Condition: Thyroid cancer, nonmedullary, 1. Review status: no classification provided. Collection method: in vitro. Allele origin: not applicable. Functional consequence: retained intron. Not counted in ClinVar's aggregate classification.

NM_001613.4(ACTA2):c.258+2T>G

Gene: ACTA2 (actin alpha 2, smooth muscle; minus strand). Cytogenetic location: 10q23.31.
Variant type: single nucleotide variant.
Coding change: c.258+2T>G on transcript NM_001613.4 (MANE Select); the canonical splice donor site of the intron after coding-DNA position 258, T replaced by G.
Molecular consequence: splice donor variant. On other transcripts: intron variant (3).
Genome position (GRCh38, 1-based): chr10:88,947,256, A>C on the plus strand (T>G on the coding strand, the complement: ACTA2 is on the minus strand). VCF-style: chr10-88947256-A-C. GRCh37 (hg19) VCF-style: chr10-90707013-A-C.
Other names: NC_000010.10:g.90707013A>C; c.129+1546T>G (NM_001406467.1, NM_001406468.1, NM_001406469.1); c.258+2T>G (NM_001320855.2, NM_001406462.1, NM_001406471.1 and 4 more transcripts).
Identifiers: ClinVar variation 1306118 (VCV001306118.5), dbSNP rs2133269765, ClinGen allele CA377513266.